The following is an entry in ClinVar:

ClinVar aggregate classification (germline): Uncertain significance (1 of 4 stars; one submission).

Allele frequency attached by ClinVar (database versions not stated): gnomAD exomes below 0.00001; TOPMed 0.00001.
gnomAD v4.1: 2 of 1,613,858 alleles (0.00012%); highest among the groups gnomAD compares: Non-Finnish European, 0.00017%; no homozygotes.

Submission:

Greenwood Genetic Center Diagnostic Laboratories, Greenwood Genetic Center
Classification: Uncertain significance. Last evaluated: 2022-04-15. Review status: criteria provided, single submitter. Criteria: ACMG Guidelines, 2015. Collection method: clinical testing. Allele origin: germline. Affected: yes.
Comment: PM2, PP3

NM_015021.3(ZNF292):c.1388A>C (p.Glu463Ala)

Gene: ZNF292 (zinc finger protein 292; plus strand). Cytogenetic location: 6q14.3.
Variant type: single nucleotide variant.
Coding change: c.1388A>C on transcript NM_015021.3 (MANE Select); coding-DNA position 1388, A replaced by C.
Protein change: p.Glu463Ala; replaces glutamic acid 463 with alanine.
Molecular consequence: missense variant.
Genome position (GRCh38, 1-based): chr6:87,255,017, A>C. VCF-style: chr6-87255017-A-C. GRCh37 (hg19) VCF-style: chr6-87964735-A-C.
Other names: c.968A>C, p.Glu323Ala (NM_001351444.2); short protein forms E323A, E463A.
Identifiers: ClinVar variation 1703144 (VCV001703144.3), dbSNP rs1775133764, ClinGen allele CA364908947.